The following is an entry in ClinVar:

NM_198252.3(GSN):c.277G>T (p.Val93Leu)

Gene: GSN (gelsolin; plus strand). Cytogenetic location: 9q33.2.
Variant type: single nucleotide variant.
Coding change: c.277G>T on transcript NM_198252.3 (MANE Select); coding-DNA position 277, G replaced by T.
Protein change: p.Val93Leu; replaces valine 93 with leucine.
Molecular consequence: missense variant. On other transcripts: 5 prime UTR variant (1).
Genome position (GRCh38, 1-based): chr9:121,302,991, G>T. VCF-style: chr9-121302991-G-T. GRCh37 (hg19) VCF-style: chr9-124065269-G-T.
Other names: c.430G>T, p.Val144Leu (NM_000177.5); c.277G>T, p.Val93Leu (NM_001127662.2, NM_001127664.2, NM_001127665.2 and 10 more transcripts); c.385G>T, p.Val129Leu (NM_001127663.2); c.310G>T, p.Val104Leu (NM_001127666.2, NM_001127667.2, NM_001353063.2 and 13 more transcripts); c.328G>T, p.Val110Leu (NM_001258029.2); c.301G>T, p.Val101Leu (NM_001258030.2); c.349G>T, p.Val117Leu (NM_001353076.2); c.-378G>T (NM_001353078.2); short protein forms V101L, V104L, V129L, V144L, V110L, V93L, V117L.
Identifiers: ClinVar variation 1984341 (VCV001984341.4), dbSNP rs760357425, ClinGen allele CA5220829.

ClinVar aggregate classification (germline): Uncertain significance (1 of 4 stars; one submission).

Submission:

Labcorp Genetics (formerly Invitae), Labcorp
Classification: Uncertain significance. Last evaluated: 2023-01-19. Review status: criteria provided, single submitter. Criteria: Invitae Variant Classification Sherloc (09022015). Collection method: clinical testing. Allele origin: germline.
Comment: This sequence change replaces valine, which is neutral and non-polar, with leucine, which is neutral and non-polar, at codon 144 of the GSN protein (p.Val144Leu). This variant is present in population databases (rs760357425, gnomAD 0.002%). This variant has not been reported in the literature in individuals affected with GSN-related conditions. Algorithms developed to predict the effect of missense changes on protein structure and function (SIFT, PolyPhen-2, Align-GVGD) all suggest that this variant is likely to be tolerated. In summary, the available evidence is currently insufficient to determine the role of this variant in disease. Therefore, it has been classified as a Variant of Uncertain Significance.